The following is an entry in ClinVar:

ClinVar aggregate classification (germline): Uncertain significance (1 of 4 stars; one submission).

Conditions:
Cardiovascular phenotype. Identifiers: MedGen CN230736.

Submission:

Ambry Genetics
Classification: Uncertain significance for Cardiovascular phenotype. Last evaluated: 2025-11-05. Review status: criteria provided, single submitter. Criteria: Ambry Variant Classification Scheme 2023. Collection method: clinical testing. Allele origin: germline.
Comment: The p.Q353R variant (also known as c.1058A>G), located in coding exon 7 of the SPRED1 gene, results from an A to G substitution at nucleotide position 1058. The glutamine at codon 353 is replaced by arginine, an amino acid with highly similar properties. This amino acid position is conserved. In addition, the in silico prediction for this alteration is inconclusive. Based on the available evidence, the clinical significance of this variant remains unclear.

NM_152594.3(SPRED1):c.1058A>G (p.Gln353Arg)

Gene: SPRED1 (sprouty related EVH1 domain containing 1; plus strand). Cytogenetic location: 15q14.
Variant type: single nucleotide variant.
Coding change: c.1058A>G on transcript NM_152594.3 (MANE Select); coding-DNA position 1058, A replaced by G.
Protein change: p.Gln353Arg; replaces glutamine 353 with arginine.
Molecular consequence: missense variant.
Genome position (GRCh38, 1-based): chr15:38,351,387, A>G. VCF-style: chr15-38351387-A-G. GRCh37 (hg19) VCF-style: chr15-38643588-A-G.
Other names: short protein forms Q353R.
Identifiers: ClinVar variation 4615027 (VCV004615027.1).